The following is an entry in ClinVar:

NM_000097.7(CPOX):c.551A>G (p.Lys184Arg)

Gene: CPOX (coproporphyrinogen oxidase; minus strand). Cytogenetic location: 3q11.2.
Variant type: single nucleotide variant.
Coding change: c.551A>G on transcript NM_000097.7 (MANE Select); coding-DNA position 551, A replaced by G.
Protein change: p.Lys184Arg; replaces lysine 184 with arginine.
Molecular consequence: missense variant.
Genome position (GRCh38, 1-based): chr3:98,592,954, T>C on the plus strand (A>G on the coding strand, the complement: CPOX is on the minus strand). VCF-style: chr3-98592954-T-C. GRCh37 (hg19) VCF-style: chr3-98311798-T-C.
Other names: c.551A>G (NM_000097.5); short protein forms K184R.
Identifiers: ClinVar variation 1402769 (VCV001402769.9), dbSNP rs751457880, ClinGen allele CA2511687.

ClinVar aggregate classification (germline): Uncertain significance. Review status: criteria provided, multiple submitters, no conflicts (2 of 4 stars). 2 submissions from 2 submitters: Uncertain significance (2). Last evaluated 2024-05-12.

Conditions:
Inborn genetic diseases. Identifiers: MedGen C0950123, MeSH D030342.

Allele frequency attached by ClinVar (database versions not stated): gnomAD 0.00001; gnomAD exomes 0.00002 and 0.00004; ExAC 0.00003; TOPMed 0.00003.
gnomAD v4.1: 12 of 1,612,322 alleles (0.00074%); highest among the groups gnomAD compares: Admixed American, 0.02%; no homozygotes.

Submissions (2):

Ambry Genetics
Classification: Uncertain significance for Inborn genetic diseases. Last evaluated: 2024-05-12. Review status: criteria provided, single submitter. Criteria: Ambry Variant Classification Scheme 2023. Collection method: clinical testing. Allele origin: germline.

Labcorp Genetics (formerly Invitae), Labcorp
Classification: Uncertain significance. Last evaluated: 2021-07-09. Review status: criteria provided, single submitter. Criteria: Invitae Variant Classification Sherloc (09022015). Collection method: clinical testing. Allele origin: germline.
Comment: Algorithms developed to predict the effect of missense changes on protein structure and function (SIFT, PolyPhen-2, Align-GVGD) all suggest that this variant is likely to be tolerated. In summary, the available evidence is currently insufficient to determine the role of this variant in disease. Therefore, it has been classified as a Variant of Uncertain Significance. This variant has not been reported in the literature in individuals affected with CPOX-related conditions. This variant is present in population databases (rs751457880, ExAC 0.03%). This sequence change replaces lysine with arginine at codon 184 of the CPOX protein (p.Lys184Arg). The lysine residue is moderately conserved and there is a small physicochemical difference between lysine and arginine.